The following is an entry in ClinVar:

NM_000277.3(PAH):c.868C>T (p.His290Tyr)

Genes: PAH (phenylalanine hydroxylase; minus strand), LOC126861615 (CDK7 strongly-dependent group 2 enhancer GRCh37_chr12:103244689-103245888; plus strand). Cytogenetic location: 12q23.2.
Variant type: single nucleotide variant.
Coding change: c.868C>T on transcript NM_000277.3 (MANE Select); coding-DNA position 868, C replaced by T.
Protein change: p.His290Tyr; replaces histidine 290 with tyrosine.
Molecular consequence: missense variant.
Genome position (GRCh38, 1-based): chr12:102,851,731, G>A on the plus strand (C>T on the coding strand, the complement: PAH is on the minus strand). VCF-style: chr12-102851731-G-A. GRCh37 (hg19) VCF-style: chr12-103245509-G-A.
Other names: c.868C>T, p.His290Tyr (NM_001354304.2); short protein forms H290Y.
Identifiers: ClinVar variation 805807 (VCV000805807.10), dbSNP rs1486763160, ClinGen allele CA16020877.

ClinVar aggregate classification (germline): Likely pathogenic. Review status: reviewed by expert panel (3 of 4 stars). 3 submissions from 3 submitters: Likely pathogenic (1). 2 of the submissions do not count toward it. Last evaluated 2019-08-11.

Conditions:
Phenylketonuria (PKU). Also called: FOLLING DISEASE; Phenylketonuria (PKU); OLIGOPHRENIA PHENYLPYRUVICA; Phenylketonurias. Identifiers: Orphanet 716, MedGen C0031485, MONDO:0009861, OMIM 261600. Disease mechanism: loss of function.

Allele frequency attached by ClinVar (database versions not stated): gnomAD exomes below 0.00001.
gnomAD v4.1: 1 of 1,614,048 alleles (0.000062%); highest among the groups gnomAD compares: Non-Finnish European, 0.000085%; no homozygotes.

Submissions (3):

ClinGen PAH Variant Curation Expert Panel
Classification: Likely pathogenic for Phenylketonuria. Last evaluated: 2019-08-11. Review status: reviewed by expert panel. Criteria: ClinGen PAH ACMG Specifications v1. Collection method: curation. Allele origin: germline. Inheritance: Autosomal recessive inheritance.
Comment: The c.868C>T (p.His290Tyr) variant in PAH has been reported in 1 individual with PKU (BH4 deficiency excluded) detected in trans with p.R408E (Pathogenic in ClinVar; PP4_Moderate, PM3; PMID: 22526846). This variant is absent in population databases (PM2). Computational evidence suggests a damaging effect. In summary, this variant meets criteria to be classified as likely pathogenic for PAH. PAH-specific ACMG/AMP criteria applied: PP4_Moderate, PM2, PM3, PP3.

Women's Health and Genetics/Laboratory Corporation of America, LabCorp
Classification: Likely pathogenic for Phenylketonuria. Last evaluated: 2025-02-04. Review status: criteria provided, single submitter. Criteria: LabCorp Variant Classification Summary - May 2015. Collection method: clinical testing. Allele origin: germline. Not counted in ClinVar's aggregate classification.
Comment: Variant summary: PAH c.868C>T (p.His290Tyr) results in a conservative amino acid change located in the aromatic amino acid hydroxylase, C-terminal domain (IPR019774) of the encoded protein sequence. Four of five in-silico tools predict a damaging effect of the variant on protein function. The variant allele was found at a frequency of 4e-06 in 250974 control chromosomes (gnomAD). c.868C>T has been reported in the literature along with a pathogenic variant in at least one compound heterozygous individual affected with phenylalanine hydroxylase deficiency (Phenylketonuria) and seen in individuals affected with hyperphenylalaninemia (e.g. Sterl_2013, Wang_2018, Internal testing). These data indicate that the variant is likely to be associated with disease. To our knowledge, no experimental evidence demonstrating an impact on protein function has been reported. Additionally, other missense changes at the same codon such as p.His290Gln and p.His290Leu, have been classified as pathogenic/likely pathogenic in ClinVar suggesting this is a functionally important residue. The following publications have been ascertained in the context of this evaluation (PMID: 22526846, 29499199,32668217). ClinVar contains an entry for this variant (Variation ID: 805807). Based on the evidence outlined above, the variant was classified as likely pathogenic.

Labcorp Genetics (formerly Invitae), Labcorp
Classification: Pathogenic for Phenylketonuria. Last evaluated: 2024-03-26. Review status: criteria provided, single submitter. Criteria: Invitae Variant Classification Sherloc (09022015). Collection method: clinical testing. Allele origin: germline. Not counted in ClinVar's aggregate classification.
Comment: This sequence change replaces histidine, which is basic and polar, with tyrosine, which is neutral and polar, at codon 290 of the PAH protein (p.His290Tyr). This variant is present in population databases (no rsID available, gnomAD 0.0009%). This missense change has been observed in individual(s) with hyperphenylalaninemia (PMID: 22526846, 29499199; Invitae). ClinVar contains an entry for this variant (Variation ID: 805807). Advanced modeling of protein sequence and biophysical properties (such as structural, functional, and spatial information, amino acid conservation, physicochemical variation, residue mobility, and thermodynamic stability) performed at Invitae indicates that this missense variant is expected to disrupt PAH protein function with a positive predictive value of 80%. This variant disrupts the p.His290 amino acid residue in PAH. Other variant(s) that disrupt this residue have been observed in individuals with PAH-related conditions (PMID: 26210745, 26666653), which suggests that this may be a clinically significant amino acid residue. For these reasons, this variant has been classified as Pathogenic.

Literature cited by the submitters: PubMed 22526846 (cited by 3 submitters); PubMed 29499199 (cited by Women's Health and Genetics/Laboratory Corporation of America, LabCorp and Labcorp Genetics (formerly Invitae), Labcorp); PubMed 32668217 (cited by Women's Health and Genetics/Laboratory Corporation of America, LabCorp); PubMed 26210745 (cited by Labcorp Genetics (formerly Invitae), Labcorp); PubMed 26666653 (cited by Labcorp Genetics (formerly Invitae), Labcorp).